The following is an entry in ClinVar:

ClinVar aggregate classification (germline): Uncertain significance (1 of 4 stars; one submission).

Conditions:
Alagille syndrome due to a JAG1 point mutation. Also called: JAG1-Related Alagille Syndrome; Alagille Syndrome 1; HEPATIC DUCTULAR HYPOPLASIA, SYNDROMATIC. Identifiers: Orphanet 261619, Orphanet 52, MedGen C1956125, MONDO:0016862, OMIM 118450.

Submission:

Labcorp Genetics (formerly Invitae), Labcorp
Classification: Uncertain significance for Alagille syndrome due to a JAG1 point mutation. Last evaluated: 2023-04-07. Review status: criteria provided, single submitter. Criteria: Invitae Variant Classification Sherloc (09022015). Collection method: clinical testing. Allele origin: germline.
Comment: In summary, the available evidence is currently insufficient to determine the role of this variant in disease. Therefore, it has been classified as a Variant of Uncertain Significance. Advanced modeling of protein sequence and biophysical properties (such as structural, functional, and spatial information, amino acid conservation, physicochemical variation, residue mobility, and thermodynamic stability) performed at Invitae indicates that this missense variant is not expected to disrupt JAG1 protein function. This sequence change replaces glutamine, which is neutral and polar, with arginine, which is basic and polar, at codon 182 of the JAG1 protein (p.Gln182Arg). This variant is not present in population databases (gnomAD no frequency). This variant has not been reported in the literature in individuals affected with JAG1-related conditions.

NM_000214.3(JAG1):c.545A>G (p.Gln182Arg)

Gene: JAG1 (jagged canonical Notch ligand 1; minus strand). Cytogenetic location: 20p12.2.
Variant type: single nucleotide variant.
Coding change: c.545A>G on transcript NM_000214.3 (MANE Select); coding-DNA position 545, A replaced by G.
Protein change: p.Gln182Arg; replaces glutamine 182 with arginine.
Molecular consequence: missense variant.
Genome position (GRCh38, 1-based): chr20:10,658,617, T>C on the plus strand (A>G on the coding strand, the complement: JAG1 is on the minus strand). VCF-style: chr20-10658617-T-C. GRCh37 (hg19) VCF-style: chr20-10639265-T-C.
Other names: short protein forms Q182R.
Identifiers: ClinVar variation 2853049 (VCV002853049.3), dbSNP rs2514526578, ClinGen allele CA408240320.